The following is an entry in ClinVar:

ClinVar aggregate classification (germline): Conflicting classifications of pathogenicity. Review status: criteria provided, conflicting classifications (1 of 4 stars). 2 submissions from 2 submitters: Likely pathogenic (1); Uncertain significance (1). Last evaluated 2025-04-03.

Conditions:
EGFR-related lung cancer (EGFR). Identifiers: MedGen CN130014.
Hereditary cancer-predisposing syndrome. Also called: Hereditary Cancer Syndrome; Neoplastic Syndromes, Hereditary; Tumor predisposition; Hereditary neoplastic syndrome. Identifiers: Orphanet 140162, MedGen C0027672, MeSH D009386, MONDO:0015356.

Allele frequency attached by ClinVar (database versions not stated): gnomAD exomes below 0.00001.
gnomAD v4.1: 6 of 1,614,196 alleles (0.00037%); highest among the groups gnomAD compares: East Asian, 0.0022%; no homozygotes.

Submissions (2):

Ambry Genetics
Classification: Uncertain significance for Hereditary cancer-predisposing syndrome. Last evaluated: 2025-04-03. Review status: criteria provided, single submitter. Criteria: Ambry Variant Classification Scheme 2023. Collection method: clinical testing. Allele origin: germline.
Comment: The c.889+1G>A intronic variant results from a G to A substitution one nucleotide after coding exon 7 of the EGFR gene. Alterations that disrupt the canonical splice site are expected to result in aberrant splicing. In silico splice site analysis predicts that this alteration will weaken the native splice donor site and will result in the creation or strengthening of a novel splice donor site. A resulting transcript is predicted to be in-frame and is not expected to trigger nonsense-mediated mRNAdecay; although, direct evidence is unavailable. This nucleotide position is highly conserved in available vertebrate species. Based on the available evidence, the clinical significance of this variant remains unclear.

Labcorp Genetics (formerly Invitae), Labcorp
Classification: Likely pathogenic for EGFR-related lung cancer. Last evaluated: 2024-10-09. Review status: criteria provided, single submitter. Criteria: Invitae Variant Classification Sherloc (09022015). Collection method: clinical testing. Allele origin: germline.
Comment: This sequence change affects a donor splice site in intron 7 of the EGFR gene. It is expected to disrupt RNA splicing. Variants that disrupt the donor or acceptor splice site typically lead to a loss of protein function (PMID: 16199547), and loss-of-function variants in EGFR are known to be pathogenic (PMID: 7630400, 28726809, 29899996). This variant is not present in population databases (gnomAD no frequency). This variant has not been reported in the literature in individuals affected with EGFR-related conditions. ClinVar contains an entry for this variant (Variation ID: 2181433). Algorithms developed to predict the effect of sequence changes on RNA splicing suggest that this variant may disrupt the consensus splice site. In summary, the currently available evidence indicates that the variant is pathogenic, but additional data are needed to prove that conclusively. Therefore, this variant has been classified as Likely Pathogenic.

Literature cited by the submitters: PubMed 16199547 (cited by Labcorp Genetics (formerly Invitae), Labcorp); PubMed 7630400 (cited by Labcorp Genetics (formerly Invitae), Labcorp); PubMed 28726809 (cited by Labcorp Genetics (formerly Invitae), Labcorp); PubMed 29899996 (cited by Labcorp Genetics (formerly Invitae), Labcorp).

NM_005228.5(EGFR):c.889+1G>A

Gene: EGFR (epidermal growth factor receptor; plus strand). Cytogenetic location: 7p11.2.
Variant type: single nucleotide variant.
Coding change: c.889+1G>A on transcript NM_005228.5 (MANE Select); the canonical splice donor site of the intron after coding-DNA position 889, G replaced by A.
Molecular consequence: splice donor variant. On other transcripts: intron variant (1).
Genome position (GRCh38, 1-based): chr7:55,154,153, G>A. VCF-style: chr7-55154153-G-A. GRCh37 (hg19) VCF-style: chr7-55221846-G-A.
Other names: c.754+1G>A (NM_001346899.2, NM_001346897.2); c.89-1677G>A (NM_001346941.2); c.889+1G>A (NM_001346898.2, NM_201284.2, NM_201282.2 and 2 more transcripts); c.730+1G>A (NM_001346900.2).
Identifiers: ClinVar variation 2181433 (VCV002181433.5), dbSNP rs2128935198, ClinGen allele CA367577899.